The following is an entry in ClinVar:

NM_001958.5(EEF1A2):c.169G>A (p.Ala57Thr)

Gene: EEF1A2 (eukaryotic translation elongation factor 1 alpha 2; minus strand). Cytogenetic location: 20q13.33.
Variant type: single nucleotide variant.
Coding change: c.169G>A on transcript NM_001958.5 (MANE Select); coding-DNA position 169, G replaced by A.
Protein change: p.Ala57Thr; replaces alanine 57 with threonine.
Molecular consequence: missense variant.
Genome position (GRCh38, 1-based): chr20:63,496,011, C>T on the plus strand (G>A on the coding strand, the complement: EEF1A2 is on the minus strand). VCF-style: chr20-63496011-C-T. GRCh37 (hg19) VCF-style: chr20-62127364-C-T.
Other names: short protein forms A57T.
Identifiers: ClinVar variation 2706012 (VCV002706012.4), dbSNP rs2516784754, ClinGen allele CA409651598.

ClinVar aggregate classification (germline): Uncertain significance. Review status: criteria provided, multiple submitters, no conflicts (2 of 4 stars). 2 submissions from 2 submitters: Uncertain significance (2). Last evaluated 2024-07-08.

Conditions:
Developmental and epileptic encephalopathy, 33 (DEE33). Also called: Epileptic encephalopathy, early infantile, 33. Identifiers: Orphanet 442835, MedGen C4225337, MONDO:0014625, OMIM 616409.

Submissions (2):

Greenwood Genetic Center Diagnostic Laboratories, Greenwood Genetic Center
Classification: Uncertain significance. Last evaluated: 2024-07-08. Review status: criteria provided, single submitter. Criteria: ACMG Guidelines, 2015. Collection method: clinical testing. Allele origin: germline. Affected: yes.
Comment: PM2, PP2

Labcorp Genetics (formerly Invitae), Labcorp
Classification: Uncertain significance for Developmental and epileptic encephalopathy, 33. Last evaluated: 2023-12-28. Review status: criteria provided, single submitter. Criteria: Invitae Variant Classification Sherloc (09022015). Collection method: clinical testing. Allele origin: germline.
Comment: This sequence change replaces alanine, which is neutral and non-polar, with threonine, which is neutral and polar, at codon 57 of the EEF1A2 protein (p.Ala57Thr). This variant is not present in population databases (gnomAD no frequency). This variant has not been reported in the literature in individuals affected with EEF1A2-related conditions. Advanced modeling of protein sequence and biophysical properties (such as structural, functional, and spatial information, amino acid conservation, physicochemical variation, residue mobility, and thermodynamic stability) has been performed at Invitae for this missense variant, however the output from this modeling did not meet the statistical confidence thresholds required to predict the impact of this variant on EEF1A2 protein function. In summary, the available evidence is currently insufficient to determine the role of this variant in disease. Therefore, it has been classified as a Variant of Uncertain Significance.